The following is an entry in ClinVar:

NM_000088.4(COL1A1):c.2397del (p.Gly800fs)

Gene: COL1A1 (collagen type I alpha 1 chain; minus strand). Cytogenetic location: 17q21.33.
Variant type: Deletion.
Coding change: c.2397del on transcript NM_000088.4 (MANE Select); coding-DNA position 2397, one base deleted (C; older notation c.2397delC).
Protein change: p.Gly800fs; shifts the reading frame from glycine 800.
Molecular consequence: frameshift variant.
Genome position (GRCh38, 1-based): chr17:50,190,543, G deleted on the plus strand (C on the coding strand, the reverse complement: COL1A1 is on the minus strand); the first of 5 consecutive G bases (chr17:50,190,543-50,190,547); deleting any one gives the same sequence. VCF-style (leftmost placement, unchanged base first): chr17-50190542-CG-C. GRCh37 (hg19) VCF-style: chr17-48267903-CG-C.
Other names: short protein forms G800fs.
Identifiers: ClinVar variation 943128 (VCV000943128.8), dbSNP rs1906989648, ClinGen allele CA1139665700.

ClinVar aggregate classification (germline): Pathogenic (1 of 4 stars; one submission).

Conditions:
Osteogenesis imperfecta type I (OI1). Also called: Lobstein's Disease; OI, TYPE I; OSTEOGENESIS IMPERFECTA TARDA; OSTEOGENESIS IMPERFECTA WITH BLUE SCLERAE; Lobstein disease; Classic Non-deforming Osteogenesis Imperfecta with Blue Sclerae. Identifiers: Orphanet 216796, Orphanet 666, MedGen C0023931, MONDO:0008146, OMIM 166200. Disease mechanism: loss of function.

Submission:

Labcorp Genetics (formerly Invitae), Labcorp
Classification: Pathogenic for Osteogenesis imperfecta type I. Last evaluated: 2021-06-14. Review status: criteria provided, single submitter. Criteria: Invitae Variant Classification Sherloc (09022015). Collection method: clinical testing. Allele origin: germline.
Comment: This variant is not present in population databases (ExAC no frequency). This sequence change creates a premature translational stop signal (p.Gly800Glufs*308) in the COL1A1 gene. It is expected to result in an absent or disrupted protein product. Loss-of-function variants in COL1A1 are known to be pathogenic (PMID: 7942841, 9295084, 9443882). This variant has been observed in individual(s) with clinical features of COL1A1-related conditions (Invitae). For these reasons, this variant has been classified as Pathogenic.

Literature cited by the submitters: PubMed 7942841; PubMed 9295084; PubMed 9443882.